The following is an entry in ClinVar:

ClinVar aggregate classification (germline): Uncertain significance. Review status: criteria provided, multiple submitters, no conflicts (2 of 4 stars). 3 submissions from 3 submitters: Uncertain significance (3). Last evaluated 2025-09-01.

Conditions:
Inborn genetic diseases. Identifiers: MedGen C0950123, MeSH D030342.

Allele frequency attached by ClinVar (database versions not stated): gnomAD exomes 0.00002; gnomAD 0.00004; TOPMed 0.00009; ESP Exome Variant Server 0.00017.
gnomAD v4.1: 31 of 1,554,760 alleles (0.002%); highest among the groups gnomAD compares: African/African-American, 0.018%; no homozygotes.

Submissions (3):

Ambry Genetics
Classification: Uncertain significance for Inborn genetic diseases. Last evaluated: 2025-09-01. Review status: criteria provided, single submitter. Criteria: Ambry Variant Classification Scheme 2023. Collection method: clinical testing. Allele origin: germline.

Labcorp Genetics (formerly Invitae), Labcorp
Classification: Uncertain significance. Last evaluated: 2025-06-02. Review status: criteria provided, single submitter. Criteria: Invitae Variant Classification Sherloc (09022015). Collection method: clinical testing. Allele origin: germline.
Comment: This sequence change replaces glycine, which is neutral and non-polar, with arginine, which is basic and polar, at codon 1857 of the KIAA1549 protein (p.Gly1857Arg). This variant is present in population databases (rs377591352, gnomAD 0.02%). This variant has not been reported in the literature in individuals affected with KIAA1549-related conditions. ClinVar contains an entry for this variant (Variation ID: 1054249). An algorithm developed to predict the effect of missense changes on protein structure and function (PolyPhen-2) suggests that this variant is likely to be disruptive. In summary, the available evidence is currently insufficient to determine the role of this variant in disease. Therefore, it has been classified as a Variant of Uncertain Significance.

Blueprint Genetics
Classification: Uncertain significance. Last evaluated: 2024-01-08. Review status: criteria provided, single submitter. Criteria: ACMG Guidelines, 2015. Collection method: clinical testing. Allele origin: germline.

NM_001164665.2(KIAA1549):c.5569G>A (p.Gly1857Arg)

Gene: KIAA1549 (KIAA1549; minus strand). Cytogenetic location: 7q34.
Variant type: single nucleotide variant.
Coding change: c.5569G>A on transcript NM_001164665.2 (MANE Select); coding-DNA position 5569, G replaced by A.
Protein change: p.Gly1857Arg; replaces glycine 1857 with arginine.
Molecular consequence: missense variant.
Genome position (GRCh38, 1-based): chr7:138,840,162, C>T on the plus strand (G>A on the coding strand, the complement: KIAA1549 is on the minus strand). VCF-style: chr7-138840162-C-T. GRCh37 (hg19) VCF-style: chr7-138524907-C-T.
Other names: c.5569G>A, p.Gly1857Arg (NM_020910.3); c.5569G>A (NM_001164665.1); short protein forms G1857R.
Identifiers: ClinVar variation 1054249 (VCV001054249.8), dbSNP rs377591352, ClinGen allele CA4505521.